The following is an entry in ClinVar:

NM_000642.3(AGL):c.808G>T (p.Gly270Ter)

Gene: AGL (amylo-alpha-1,6-glucosidase and 4-alpha-glucanotransferase; plus strand). Cytogenetic location: 1p21.2.
Variant type: single nucleotide variant.
Coding change: c.808G>T on transcript NM_000642.3 (MANE Select); coding-DNA position 808, G replaced by T.
Protein change: p.Gly270Ter; replaces glycine 270 with a stop codon.
Molecular consequence: nonsense.
Genome position (GRCh38, 1-based): chr1:99,870,543, G>T. VCF-style: chr1-99870543-G-T. GRCh37 (hg19) VCF-style: chr1-100336099-G-T.
Other names: c.808G>T (NM_000642.2); c.808G>T, p.Gly270Ter (NM_000028.3, NM_000643.3, NM_000644.3 and 3 more transcripts); c.760G>T, p.Gly254Ter (NM_000646.3); c.604G>T, p.Gly202Ter (NM_001425328.1, NM_001425329.1); c.430G>T, p.Gly144Ter (NM_001425332.1); short protein forms G254*, G144*, G270*, G202*.
Identifiers: ClinVar variation 3009716 (VCV003009716.4), dbSNP rs1650900557, ClinGen allele CA341340235.
Genomic context (GRCh38, chr1:99,870,543, plus strand): 5'-TTAGACAGAGCACTTTGGCGTTTCTCCTGTGATGTTGCAGAAGGGAAATACAAAGAAAAG[G>T]GAATACCTGCTTTGATTGAAAATGATCACCATATGAATGTCAGTATGTACAGAGGAGTAT-3'

ClinVar aggregate classification (germline): Pathogenic/Likely pathogenic. Review status: criteria provided, multiple submitters, no conflicts (2 of 4 stars). 2 submissions from 2 submitters: Pathogenic (1); Likely pathogenic (1). Last evaluated 2026-01-25.

Conditions:
Glycogen storage disease type III (GSD3). Also called: FORBES DISEASE; Cori disease. Identifiers: Orphanet 366, MedGen C0017922, MONDO:0009291, OMIM 232400.

Submissions (2):

Labcorp Genetics (formerly Invitae), Labcorp
Classification: Pathogenic for Glycogen storage disease type III. Last evaluated: 2026-01-25. Review status: criteria provided, single submitter. Criteria: Invitae Variant Classification Sherloc (09022015). Collection method: clinical testing. Allele origin: germline.
Comment: This sequence change creates a premature translational stop signal (p.Gly270*) in the AGL gene. It is expected to result in an absent or disrupted protein product. Loss-of-function variants in AGL are known to be pathogenic (PMID: 19299494). This variant is not present in population databases (gnomAD no frequency). This variant has not been reported in the literature in individuals affected with AGL-related conditions. ClinVar contains an entry for this variant (Variation ID: 3009716). For these reasons, this variant has been classified as Pathogenic.

Baylor Genetics
Classification: Likely pathogenic for Glycogen storage disease type III. Last evaluated: 2024-03-25. Review status: criteria provided, single submitter. Criteria: ACMG Guidelines, 2015. Collection method: clinical testing. Allele origin: unknown.

Literature cited by the submitters: PubMed 19299494 (cited by Labcorp Genetics (formerly Invitae), Labcorp).